The following is an entry in ClinVar:

NM_032620.4(GTPBP3):c.664+29G>A

Gene: GTPBP3 (GTP binding protein 3, mitochondrial; plus strand). Cytogenetic location: 19p13.11.
Variant type: single nucleotide variant.
Coding change: c.664+29G>A on transcript NM_032620.4 (MANE Select); 29 bases into the intron after coding-DNA position 664, G replaced by A.
Molecular consequence: intron variant. On other transcripts: synonymous variant (1).
Genome position (GRCh38, 1-based): chr19:17,339,055, G>A. VCF-style: chr19-17339055-G-A. GRCh37 (hg19) VCF-style: chr19-17449864-G-A.
Other names: c.693G>A, p.Lys231= (NM_133644.4); c.730+29G>A (NM_001195422.1); c.664+29G>A (NM_001128855.3).
Identifiers: ClinVar variation 386353 (VCV000386353.8), dbSNP rs370284941, ClinGen allele CA9293443.

ClinVar aggregate classification (germline): Likely benign. Review status: criteria provided, multiple submitters, no conflicts (2 of 4 stars). 2 submissions from 2 submitters: Likely benign (2). Last evaluated 2022-10-07.

Allele frequency attached by ClinVar (database versions not stated): gnomAD exomes below 0.00001; ExAC 0.00001; TOPMed 0.00001; ESP Exome Variant Server 0.00008.

Submissions (2):

Labcorp Genetics (formerly Invitae), Labcorp
Classification: Likely benign. Last evaluated: 2022-10-07. Review status: criteria provided, single submitter. Criteria: Invitae Variant Classification Sherloc (09022015). Collection method: clinical testing. Allele origin: germline.

GeneDx
Classification: Likely benign. Last evaluated: 2016-06-13. Review status: criteria provided, single submitter. Criteria: GeneDx Variant Classification (06012015). Collection method: clinical testing. Allele origin: germline. Affected: yes.
Comment: This variant is considered likely benign or benign based on one or more of the following criteria: it is a conservative change, it occurs at a poorly conserved position in the protein, it is predicted to be benign by multiple in silico algorithms, and/or has population frequency not consistent with disease.